The following is an entry in ClinVar:

NM_004715.5(CTDP1):c.2374C>T (p.Pro792Ser)

Gene: CTDP1 (CTD phosphatase subunit 1; plus strand). Cytogenetic location: 18q23.
Variant type: single nucleotide variant.
Coding change: c.2374C>T on transcript NM_004715.5 (MANE Select); coding-DNA position 2374, C replaced by T.
Protein change: p.Pro792Ser; replaces proline 792 with serine.
Molecular consequence: missense variant.
Genome position (GRCh38, 1-based): chr18:79,717,973, C>T. VCF-style: chr18-79717973-C-T. GRCh37 (hg19) VCF-style: chr18-77477973-C-T.
Other names: p.Pro792Ser; c.2017C>T, p.Pro673Ser (NM_001202504.1); c.2374C>T, p.Pro792Ser (NM_001318511.2, NM_048368.4); short protein forms P673S, P792S.
Identifiers: ClinVar variation 1693723 (VCV001693723.8), dbSNP rs376105777, ClinGen allele CA9010570.

ClinVar aggregate classification (germline): Uncertain significance. Review status: criteria provided, multiple submitters, no conflicts (2 of 4 stars). 3 submissions from 3 submitters: Uncertain significance (3). Last evaluated 2025-11-15.

Allele frequency attached by ClinVar (database versions not stated): gnomAD exomes 0.00003 and 0.00005; gnomAD 0.00005; TOPMed 0.00005; ExAC 0.00007; ESP Exome Variant Server 0.00015.
gnomAD v4.1: 73 of 1,613,394 alleles (0.0045%); highest among the groups gnomAD compares: Non-Finnish European, 0.0061%; 1 homozygote.

Submissions (3):

Labcorp Genetics (formerly Invitae), Labcorp
Classification: Uncertain significance. Last evaluated: 2025-11-15. Review status: criteria provided, single submitter. Criteria: Invitae Variant Classification Sherloc (09022015). Collection method: clinical testing. Allele origin: germline.
Comment: This sequence change replaces proline, which is neutral and non-polar, with serine, which is neutral and polar, at codon 792 of the CTDP1 protein (p.Pro792Ser). This variant is present in population databases (rs376105777, gnomAD 0.006%). This variant has not been reported in the literature in individuals affected with CTDP1-related conditions. ClinVar contains an entry for this variant (Variation ID: 1693723). An algorithm developed to predict the effect of missense changes on protein structure and function outputs the following: PolyPhen-2: "Benign". The serine amino acid residue is found in multiple mammalian species, which suggests that this missense change does not adversely affect protein function. In summary, the available evidence is currently insufficient to determine the role of this variant in disease. Therefore, it has been classified as a Variant of Uncertain Significance.

Ambry Genetics
Classification: Uncertain significance. Last evaluated: 2025-08-12. Review status: criteria provided, single submitter. Criteria: Ambry Variant Classification Scheme 2023. Collection method: clinical testing. Allele origin: germline.

Mayo Clinic Laboratories, Mayo Clinic
Classification: Uncertain significance. Last evaluated: 2021-04-08. Review status: criteria provided, single submitter. Criteria: ACMG Guidelines, 2015. Collection method: clinical testing. Allele origin: germline.